The following is an entry in ClinVar:

NM_017947.4(MOCOS):c.40A>T (p.Thr14Ser)

Gene: MOCOS (molybdenum cofactor sulfurase; plus strand). Cytogenetic location: 18q12.2.
Variant type: single nucleotide variant.
Coding change: c.40A>T on transcript NM_017947.4 (MANE Select); coding-DNA position 40, A replaced by T.
Protein change: p.Thr14Ser; replaces threonine 14 with serine.
Molecular consequence: missense variant.
Genome position (GRCh38, 1-based): chr18:36,187,579, A>T. VCF-style: chr18-36187579-A-T. GRCh37 (hg19) VCF-style: chr18-33767542-A-T.
Other names: c.40A>T (NM_017947.2); short protein forms T14S.
Identifiers: ClinVar variation 1432921 (VCV001432921.10), dbSNP rs779808561, ClinGen allele CA8940303.

ClinVar aggregate classification (germline): Uncertain significance. Review status: criteria provided, multiple submitters, no conflicts (2 of 4 stars). 3 submissions from 3 submitters: Uncertain significance (3). Last evaluated 2025-03-11.

Conditions:
Xanthinuria type II. Also called: Xanthine dehydrogenase and aldehyde oxidase combined deficiency of; XDH and AOX dual deficiency. Identifiers: Orphanet 3467, Orphanet 93602, MedGen C1863688, MONDO:0011346, OMIM 603592.

Allele frequency attached by ClinVar (database versions not stated): gnomAD 0.00003; gnomAD exomes 0.00005; TOPMed 0.00005; ExAC 0.00033.
gnomAD v4.1: 19 of 1,246,674 alleles (0.0015%); highest among the groups gnomAD compares: Admixed American, 0.012%; no homozygotes.

Submissions (3):

Ambry Genetics
Classification: Uncertain significance. Last evaluated: 2025-03-11. Review status: criteria provided, single submitter. Criteria: Ambry Variant Classification Scheme 2023. Collection method: clinical testing. Allele origin: germline.

Labcorp Genetics (formerly Invitae), Labcorp
Classification: Uncertain significance for Xanthinuria type II. Last evaluated: 2024-10-22. Review status: criteria provided, single submitter. Criteria: Invitae Variant Classification Sherloc (09022015). Collection method: clinical testing. Allele origin: germline.
Comment: This sequence change replaces threonine, which is neutral and polar, with serine, which is neutral and polar, at codon 14 of the MOCOS protein (p.Thr14Ser). This variant is present in population databases (rs779808561, gnomAD 0.2%). This variant has not been reported in the literature in individuals affected with MOCOS-related conditions. ClinVar contains an entry for this variant (Variation ID: 1432921). An algorithm developed to predict the effect of missense changes on protein structure and function outputs the following: PolyPhen-2: "Benign". The serine amino acid residue is found in multiple mammalian species, which suggests that this missense change does not adversely affect protein function. In summary, the available evidence is currently insufficient to determine the role of this variant in disease. Therefore, it has been classified as a Variant of Uncertain Significance.

Fulgent Genetics
Classification: Uncertain significance for Xanthinuria type II. Last evaluated: 2022-01-22. Review status: criteria provided, single submitter. Criteria: ACMG Guidelines, 2015. Collection method: clinical testing. Allele origin: unknown.